The following is an entry in ClinVar:

ClinVar aggregate classification (germline): Benign (1 of 4 stars; one submission).

Conditions:
Papillary renal cell carcinoma type 1 (RCCP1). Also called: Renal adenocarcinoma; Renal cell carcinoma 1; Renal cell carcinoma, somatic; RENAL CELL CARCINOMA, PAPILLARY, 1, SOMATIC. Identifiers: Orphanet 47044, MedGen C1336839, OMIM 605074, HP:0011797.

gnomAD v4.1: 1 of 1,614,156 alleles (0.000062%); highest among the groups gnomAD compares: Non-Finnish European, 0.000085%; no homozygotes.

Submission:

Myriad Genetics, Inc.
Classification: Benign for Papillary renal cell carcinoma type 1. Last evaluated: 2024-11-14. Review status: criteria provided, single submitter. Criteria: Myriad Autosomal Dominant, Autosomal Recessive and X-Linked Classification Criteria (2023). Collection method: clinical testing. Allele origin: unknown.
Comment: This variant is considered benign. This variant is a silent/synonymous amino acid change and it is not expected to impact splicing.

NM_000245.4(MET):c.3996A>G (p.Glu1332=)

Gene: MET (MET proto-oncogene, receptor tyrosine kinase; plus strand). Cytogenetic location: 7q31.2.
Variant type: single nucleotide variant.
Coding change: c.3996A>G on transcript NM_000245.4 (MANE Select); coding-DNA position 3996, A replaced by G.
Protein change: p.Glu1332=; no amino-acid change (glutamic acid 1332 retained).
Molecular consequence: synonymous variant.
Genome position (GRCh38, 1-based): chr7:116,795,947, A>G. VCF-style: chr7-116795947-A-G. GRCh37 (hg19) VCF-style: chr7-116436001-A-G.
Other names: c.4050A>G, p.Glu1350= (NM_001127500.3); c.2706A>G, p.Glu902= (NM_001324402.2).
Identifiers: ClinVar variation 3773404 (VCV003773404.1).